The following is an entry in ClinVar:

NM_004260.4(RECQL4):c.155C>T (p.Thr52Met)

Genes: RECQL4 (RecQ like helicase 4; minus strand), LOC130001411 (ATAC-STARR-seq lymphoblastoid silent region 19699; plus strand). Cytogenetic location: 8q24.3.
Variant type: single nucleotide variant.
Coding change: c.155C>T on transcript NM_004260.4 (MANE Select); coding-DNA position 155, C replaced by T.
Protein change: p.Thr52Met; replaces threonine 52 with methionine.
Molecular consequence: missense variant.
Genome position (GRCh38, 1-based): chr8:144,517,472, G>A on the plus strand (C>T on the coding strand, the complement: RECQL4 is on the minus strand). VCF-style: chr8-144517472-G-A. GRCh37 (hg19) VCF-style: chr8-145742856-G-A.
Other names: short protein forms T52M.
Identifiers: ClinVar variation 239699 (VCV000239699.26), dbSNP rs878854641, ClinGen allele CA10582573.

ClinVar aggregate classification (germline): Uncertain significance. Review status: criteria provided, multiple submitters, no conflicts (2 of 4 stars). 3 submissions from 3 submitters: Uncertain significance (3). Last evaluated 2025-05-04.

Conditions:
Baller-Gerold syndrome (BGS). Also called: CRANIOSYNOSTOSIS WITH RADIAL DEFECTS. Identifiers: Orphanet 1225, MedGen C0265308, MONDO:0009039, OMIM 218600.
Inborn genetic diseases. Identifiers: MedGen C0950123, MeSH D030342.

Allele frequency attached by ClinVar (database versions not stated): TOPMed below 0.00001.

Submissions (3):

Ambry Genetics
Classification: Uncertain significance for Inborn genetic diseases. Last evaluated: 2025-05-04. Review status: criteria provided, single submitter. Criteria: Ambry Variant Classification Scheme 2023. Collection method: clinical testing. Allele origin: germline.
Comment: The p.T52M variant (also known as c.155C>T), located in coding exon 3 of the RECQL4 gene, results from a C to T substitution at nucleotide position 155. The threonine at codon 52 is replaced by methionine, an amino acid with similar properties. This amino acid position is conserved. In addition, this alteration is predicted to be tolerated by in silico analysis. Based on the available evidence, the clinical significance of this variant remains unclear.

CeGaT Center for Human Genetics Tuebingen
Classification: Uncertain significance. Last evaluated: 2023-09-01. Review status: criteria provided, single submitter. Criteria: CeGaT Center For Human Genetics Tuebingen Variant Classification Criteria Version 2. Collection method: clinical testing. Allele origin: germline. Affected: yes. Observed: 1 variant allele.
Comment: RECQL4: PM2

Labcorp Genetics (formerly Invitae), Labcorp
Classification: Uncertain significance for Baller-Gerold syndrome. Last evaluated: 2018-08-02. Review status: criteria provided, single submitter. Criteria: Invitae Variant Classification Sherloc (09022015). Collection method: clinical testing. Allele origin: germline.
Comment: This sequence change replaces threonine with methionine at codon 52 of the RECQL4 protein (p.Thr52Met). The threonine residue is weakly conserved and there is a moderate physicochemical difference between threonine and methionine. This variant is not present in population databases (ExAC no frequency). This variant has not been reported in the literature in individuals with RECQL4-related disease. ClinVar contains an entry for this variant (Variation ID: 239699). The methionine amino acid residue is found in multiple mammalian species, suggesting that this missense change does not adversely affect protein function. In addition, algorithms developed to predict the effect of missense changes on protein structure and function (SIFT, PolyPhen-2, Align-GVGD) all suggest that this variant is likely to be tolerated, but these predictions have not been confirmed by published functional studies. In summary, the available evidence is currently insufficient to determine the role of this variant in disease. Therefore, it has been classified as a Variant of Uncertain Significance.